The following is an entry in ClinVar:

NM_175053.4(KRT74):c.1105C>T (p.Arg369Trp)

Gene: KRT74 (keratin 74; minus strand). Cytogenetic location: 12q13.13.
Variant type: single nucleotide variant.
Coding change: c.1105C>T on transcript NM_175053.4 (MANE Select); coding-DNA position 1105, C replaced by T.
Protein change: p.Arg369Trp; replaces arginine 369 with tryptophan.
Molecular consequence: missense variant.
Genome position (GRCh38, 1-based): chr12:52,569,888, G>A on the plus strand (C>T on the coding strand, the complement: KRT74 is on the minus strand). VCF-style: chr12-52569888-G-A. GRCh37 (hg19) VCF-style: chr12-52963672-G-A.
Other names: short protein forms R369W.
Identifiers: ClinVar variation 1929065 (VCV001929065.5), dbSNP rs760735375, ClinGen allele CA6583799.

ClinVar aggregate classification (germline): Uncertain significance (1 of 4 stars; one submission).

Allele frequency attached by ClinVar (database versions not stated): ExAC 0.00002.
gnomAD v4.1: 43 of 1,614,064 alleles (0.0027%); highest among the groups gnomAD compares: Middle Eastern, 0.016%; no homozygotes.

Submission:

Labcorp Genetics (formerly Invitae), Labcorp
Classification: Uncertain significance. Last evaluated: 2022-10-03. Review status: criteria provided, single submitter. Criteria: Invitae Variant Classification Sherloc (09022015). Collection method: clinical testing. Allele origin: germline.
Comment: In summary, the available evidence is currently insufficient to determine the role of this variant in disease. Therefore, it has been classified as a Variant of Uncertain Significance. Advanced modeling of protein sequence and biophysical properties (such as structural, functional, and spatial information, amino acid conservation, physicochemical variation, residue mobility, and thermodynamic stability) performed at Invitae indicates that this missense variant is not expected to disrupt KRT74 protein function. This variant has not been reported in the literature in individuals affected with KRT74-related conditions. This variant is present in population databases (rs760735375, gnomAD 0.004%). This sequence change replaces arginine, which is basic and polar, with tryptophan, which is neutral and slightly polar, at codon 369 of the KRT74 protein (p.Arg369Trp).